The following is an entry in ClinVar:

ClinVar aggregate classification (germline): Uncertain significance (1 of 4 stars; one submission).

Conditions:
Primary ciliary dyskinesia. Also called: Ciliary dyskinesia. Identifiers: Orphanet 244, MedGen C0008780, MONDO:0016575, HP:0012265.

Allele frequency attached by ClinVar (database versions not stated): gnomAD 0.00002; TOPMed 0.00002; ExAC 0.00005; ESP Exome Variant Server 0.00008.
gnomAD v4.1: 53 of 1,610,850 alleles (0.0033%); highest among the groups gnomAD compares: Admixed American, 0.005%; no homozygotes.

Submission:

Ambry Genetics
Classification: Uncertain significance for Primary ciliary dyskinesia. Last evaluated: 2021-10-29. Review status: criteria provided, single submitter. Criteria: Ambry Variant Classification Scheme 2023. Collection method: clinical testing. Allele origin: germline.
Comment: The p.R248H variant (also known as c.743G>A), located in coding exon 6 of the DNAAF1 gene, results from a G to A substitution at nucleotide position 743. The arginine at codon 248 is replaced by histidine, an amino acid with highly similar properties. This amino acid position is conserved. In addition, this alteration is predicted to be tolerated by in silico analysis. Since supporting evidence is limited at this time, the clinical significance of this alteration remains unclear.

NM_178452.6(DNAAF1):c.743G>A (p.Arg248His)

Gene: DNAAF1 (dynein axonemal assembly factor 1; plus strand). Cytogenetic location: 16q24.1.
Variant type: single nucleotide variant.
Coding change: c.743G>A on transcript NM_178452.6 (MANE Select); coding-DNA position 743, G replaced by A.
Protein change: p.Arg248His; replaces arginine 248 with histidine.
Molecular consequence: missense variant. On other transcripts: 5 prime UTR variant (1).
Genome position (GRCh38, 1-based): chr16:84,159,676, G>A. VCF-style: chr16-84159676-G-A. GRCh37 (hg19) VCF-style: chr16-84193281-G-A.
Other names: c.-14G>A (NM_001318756.1); short protein forms R248H.
Identifiers: ClinVar variation 1758926 (VCV001758926.2), dbSNP rs139283232, ClinGen allele CA8202616.